The following is an entry in ClinVar:

ClinVar aggregate classification (germline): Pathogenic (1 of 4 stars; one submission).

Submission:

GeneDx
Classification: Pathogenic. Last evaluated: 2016-02-10. Review status: criteria provided, single submitter. Criteria: GeneDx Variant Classification (06012015). Collection method: clinical testing. Allele origin: germline. Affected: yes.
Comment: A novel pathogenic variant has been identified in the CASR gene. The c.2364 C>G nucleotide change leading to the F788L amino acid substitution has not been published as a pathogenic variant, nor has it been reported as a benign variant to our knowledge. The variant was not observed in approximately 6,500 individuals of European and African American ancestry in the NHLBI Exome Sequencing Project, indicating it is not a common benign variant in these populations. This substitution occurs at a position that is conserved across species. In silico analysis is inconsistent in its predictions as to whether or not the variant is damaging to the protein structure/function. However, a separate nucleotide change in the same codon, c.2362 T>C,leads to the same F788L missense change, was published in association with hypocalcemia (Hendy et al., 2003) and has been classified as pathogenic. Additionally, another pathogenic missense variant in the same codon, F788C, has been published in association with CASR-related disorders (Watanabe et al., 1998; Kinoshita et al., 2014). Therefore, the c.2364 C>G (F788L) is pathogenic.

NM_000388.4(CASR):c.2364C>G (p.Phe788Leu)

Gene: CASR (calcium sensing receptor; plus strand). Cytogenetic location: 3q21.1.
Variant type: single nucleotide variant.
Coding change: c.2364C>G on transcript NM_000388.4 (MANE Select); coding-DNA position 2364, C replaced by G.
Protein change: p.Phe788Leu; replaces phenylalanine 788 with leucine.
Molecular consequence: missense variant.
Genome position (GRCh38, 1-based): chr3:122,284,318, C>G. VCF-style: chr3-122284318-C-G. GRCh37 (hg19) VCF-style: chr3-122003165-C-G.
Other names: c.2394C>G, p.Phe798Leu (NM_001178065.2); short protein forms F788L, F798L.
Identifiers: ClinVar variation 280308 (VCV000280308.2), dbSNP rs886041537, ClinGen allele CA10602865.